The following is an entry in ClinVar:

ClinVar aggregate classification (germline): Uncertain significance (1 of 4 stars; one submission).

Conditions:
Brugada syndrome 8 (BRGDA8). Identifiers: Orphanet 130, MedGen C2751083, MONDO:0013148, OMIM 613123.

Allele frequency attached by ClinVar (database versions not stated): ExAC 0.00005.

Submission:

Labcorp Genetics (formerly Invitae), Labcorp
Classification: Uncertain significance for Brugada syndrome 8. Last evaluated: 2019-04-05. Review status: criteria provided, single submitter. Criteria: Invitae Variant Classification Sherloc (09022015). Collection method: clinical testing. Allele origin: germline.
Comment: This sequence change results in a premature translational stop signal in the HCN4 gene (p.Gln937*). While this is not anticipated to result in nonsense mediated decay, it is expected to disrupt the last 267 amino acids of the HCN4 protein. This variant is present in population databases (rs776757023, ExAC 0.009%). This variant has not been reported in the literature in individuals with HCN4-related conditions. Experimental studies and prediction algorithms are not available for this variant, and the functional significance of the affected amino acid(s) is currently unknown. In summary, the available evidence is currently insufficient to determine the role of this variant in disease. Therefore, it has been classified as a Variant of Uncertain Significance.

NM_005477.3(HCN4):c.2809C>T (p.Gln937Ter)

Gene: HCN4 (hyperpolarization activated cyclic nucleotide gated potassium channel 4; minus strand). Cytogenetic location: 15q24.1.
Variant type: single nucleotide variant.
Coding change: c.2809C>T on transcript NM_005477.3 (MANE Select); coding-DNA position 2809, C replaced by T.
Protein change: p.Gln937Ter; replaces glutamine 937 with a stop codon.
Molecular consequence: nonsense.
Genome position (GRCh38, 1-based): chr15:73,323,284, G>A on the plus strand (C>T on the coding strand, the complement: HCN4 is on the minus strand). VCF-style: chr15-73323284-G-A. GRCh37 (hg19) VCF-style: chr15-73615625-G-A.
Other names: short protein forms Q937*.
Identifiers: ClinVar variation 851154 (VCV000851154.9), dbSNP rs776757023, ClinGen allele CA7648949.
Genomic context (GRCh38, chr15:73,323,284, plus strand): 5'-GCTCCGGGAGTCCCAGGCCTCCCCGGGCCCCGGGTGGCGCGGGAGATGGCTGGGCAGCCT[G>A]CGGGGAGCGGGCGCCTGGCTGCAGCGGGGTGAGCAGGGGAGAGTCGGAGGAGGACAGGGA-3'